The following is an entry in ClinVar:

NM_015404.4(WHRN):c.1516C>T (p.Arg506Trp)

Gene: WHRN (whirlin; minus strand). Cytogenetic location: 9q32.
Variant type: single nucleotide variant.
Coding change: c.1516C>T on transcript NM_015404.4 (MANE Select); coding-DNA position 1516, C replaced by T.
Protein change: p.Arg506Trp; replaces arginine 506 with tryptophan.
Molecular consequence: missense variant.
Genome position (GRCh38, 1-based): chr9:114,423,424, G>A on the plus strand (C>T on the coding strand, the complement: WHRN is on the minus strand). VCF-style: chr9-114423424-G-A. GRCh37 (hg19) VCF-style: chr9-117185704-G-A.
Other names: c.367C>T, p.Arg123Trp (NM_001083885.3); c.1516C>T, p.Arg506Trp (NM_001173425.2); c.463C>T, p.Arg155Trp (NM_001346890.1); short protein forms R155W, R506W, R123W.
Identifiers: ClinVar variation 1495216 (VCV001495216.4), dbSNP rs1311654091, ClinGen allele CA374607286.

ClinVar aggregate classification (germline): Uncertain significance. Review status: criteria provided, multiple submitters, no conflicts (2 of 4 stars). 2 submissions from 2 submitters: Uncertain significance (2). Last evaluated 2022-11-24.

Allele frequency attached by ClinVar (database versions not stated): gnomAD 0.00001; gnomAD exomes 0.00001 and 0.00002; TOPMed 0.00001.
gnomAD v4.1: 15 of 1,613,990 alleles (0.00093%); highest among the groups gnomAD compares: East Asian, 0.0045%; no homozygotes.

Submissions (2):

Blueprint Genetics
Classification: Uncertain significance. Last evaluated: 2022-11-24. Review status: criteria provided, single submitter. Criteria: ACMG Guidelines, 2015. Collection method: clinical testing. Allele origin: germline.

Labcorp Genetics (formerly Invitae), Labcorp
Classification: Uncertain significance. Last evaluated: 2022-02-21. Review status: criteria provided, single submitter. Criteria: Invitae Variant Classification Sherloc (09022015). Collection method: clinical testing. Allele origin: germline.
Comment: This sequence change replaces arginine, which is basic and polar, with tryptophan, which is neutral and slightly polar, at codon 506 of the WHRN protein (p.Arg506Trp). This variant is present in population databases (no rsID available, gnomAD 0.003%). This variant has not been reported in the literature in individuals affected with WHRN-related conditions. Algorithms developed to predict the effect of missense changes on protein structure and function output the following: SIFT: "Deleterious"; PolyPhen-2: "Benign"; Align-GVGD: "Class C0". The tryptophan amino acid residue is found in multiple mammalian species, which suggests that this missense change does not adversely affect protein function. In summary, the available evidence is currently insufficient to determine the role of this variant in disease. Therefore, it has been classified as a Variant of Uncertain Significance.